The following is an entry in ClinVar:

NM_001134831.2(AHI1):c.3109+6769_3109+6776delinsAA

Gene: AHI1 (Abelson helper integration site 1; minus strand). Cytogenetic location: 6q23.3.
Variant type: Indel.
Coding change: c.3109+6769_3109+6776delinsAA on transcript NM_001134831.2 (MANE Select); bases 6769 to 6776 of the intron after coding-DNA position 3109, TGTATATT replaced by AA.
Molecular consequence: intron variant. On other transcripts: inframe indel (1).
Genome position (GRCh38, 1-based): chr6:135,388,000-135,388,007, AATATACA replaced by TT on the plus strand (TGTATATT replaced by AA on the coding strand, the reverse complement: AHI1 is on the minus strand). VCF-style: chr6-135388000-AATATACA-TT. GRCh37 (hg19) VCF-style: chr6-135709138-AATATACA-TT.
Other names: c.3136_3143delinsAA, p.Cys1046_Leu1048delinsLys (NM_001134832.2); c.3109+6769_3109+6776delinsAA (NM_001134830.2, NM_001350503.2, NM_017651.5 and 1 more transcripts).
Identifiers: ClinVar variation 4988836 (VCV004988836.1).

ClinVar aggregate classification (germline): Uncertain significance (1 of 4 stars; one submission).

Conditions:
AHI1-related disorder. Also called: AHI1-related condition.

Submission:

PreventionGenetics, part of Exact Sciences
Classification: Uncertain significance for AHI1-related condition. Last evaluated: 2026-08-28. Review status: criteria provided, single submitter. Criteria: ACMG Guidelines, 2015. Collection method: clinical testing. Allele origin: germline.
Comment: The AHI1 c.3136_3143delinsAA variant is predicted to result in an in-frame deletion and insertion. To our knowledge, this variant has not been reported in the literature or in a large population database (gnomAD), indicating this variant is rare. At this time, the clinical significance of this variant is uncertain due to the absence of conclusive functional and genetic evidence.